The following is an entry in ClinVar:

ClinVar aggregate classification (germline): Uncertain significance (1 of 4 stars; one submission).

Submission:

GeneDx
Classification: Uncertain significance. Last evaluated: 2024-07-31. Review status: criteria provided, single submitter. Criteria: GeneDx Variant Classification Process June 2021. Collection method: clinical testing. Allele origin: germline. Affected: yes.
Comment: Not observed at significant frequency in large population cohorts (gnomAD); Nonsense variant predicted to result in protein truncation as the last 55 amino acids are lost, although loss-of-function variants have not been reported downstream of this position in the protein; Has not been previously published as pathogenic or benign to our knowledge

NM_015355.4(SUZ12):c.2053C>T (p.Gln685Ter)

Gene: SUZ12 (SUZ12 polycomb repressive complex 2 subunit; plus strand). Cytogenetic location: 17q11.2.
Variant type: single nucleotide variant.
Coding change: c.2053C>T on transcript NM_015355.4 (MANE Select); coding-DNA position 2053, C replaced by T.
Protein change: p.Gln685Ter; replaces glutamine 685 with a stop codon.
Molecular consequence: nonsense.
Genome position (GRCh38, 1-based): chr17:31,998,836, C>T. VCF-style: chr17-31998836-C-T. GRCh37 (hg19) VCF-style: chr17-30325855-C-T.
Other names: c.1984C>T, p.Gln662Ter (NM_001321207.2); short protein forms Q662*, Q685*.
Identifiers: ClinVar variation 3602993 (VCV003602993.1).